The following is an entry in ClinVar:

ClinVar aggregate classification (germline): Uncertain significance. Review status: criteria provided, multiple submitters, no conflicts (2 of 4 stars). 3 submissions from 3 submitters: Uncertain significance (3). Last evaluated 2026-04-03.

Allele frequency attached by ClinVar (database versions not stated): gnomAD exomes below 0.00001 and 0.00006; gnomAD 0.00001; TOPMed 0.00001.
gnomAD v4.1: 95 of 1,613,744 alleles (0.0059%); highest among the groups gnomAD compares: Non-Finnish European, 0.0078%; no homozygotes.

Submissions (3):

GeneDx
Classification: Uncertain significance. Last evaluated: 2026-04-03. Review status: criteria provided, single submitter. Criteria: GeneDx Variant Classification Process June 2021. Collection method: clinical testing. Allele origin: germline.
Comment: Not observed at significant frequency in large population cohorts (gnomAD); In silico analysis supports that this missense variant has a deleterious effect on protein structure/function; This variant is associated with the following publications: (PMID: 34662886, 35661827)

Labcorp Genetics (formerly Invitae), Labcorp
Classification: Uncertain significance. Last evaluated: 2025-02-04. Review status: criteria provided, single submitter. Criteria: Invitae Variant Classification Sherloc (09022015). Collection method: clinical testing. Allele origin: germline.
Comment: This sequence change replaces phenylalanine, which is neutral and non-polar, with serine, which is neutral and polar, at codon 80 of the COL11A2 protein (p.Phe80Ser). This variant is present in population databases (no rsID available, gnomAD 0.0009%). This variant has not been reported in the literature in individuals affected with COL11A2-related conditions. ClinVar contains an entry for this variant (Variation ID: 1413247). Invitae Evidence Modeling of protein sequence and biophysical properties (such as structural, functional, and spatial information, amino acid conservation, physicochemical variation, residue mobility, and thermodynamic stability) indicates that this missense variant is not expected to disrupt COL11A2 protein function with a negative predictive value of 95%. In summary, the available evidence is currently insufficient to determine the role of this variant in disease. Therefore, it has been classified as a Variant of Uncertain Significance.

CeGaT Center for Human Genetics Tuebingen
Classification: Uncertain significance. Last evaluated: 2023-05-01. Review status: criteria provided, single submitter. Criteria: CeGaT Center For Human Genetics Tuebingen Variant Classification Criteria Version 2. Collection method: clinical testing. Allele origin: germline. Affected: yes. Observed: 2 variant alleles.
Comment: COL11A2: PM2, PS4:Supporting

NM_080680.3(COL11A2):c.239T>C (p.Phe80Ser)

Gene: COL11A2 (collagen type XI alpha 2 chain; minus strand). Cytogenetic location: 6p21.32.
Variant type: single nucleotide variant.
Coding change: c.239T>C on transcript NM_080680.3 (MANE Select); coding-DNA position 239, T replaced by C.
Protein change: p.Phe80Ser; replaces phenylalanine 80 with serine.
Molecular consequence: missense variant.
Genome position (GRCh38, 1-based): chr6:33,189,182, A>G on the plus strand (T>C on the coding strand, the complement: COL11A2 is on the minus strand). VCF-style: chr6-33189182-A-G. GRCh37 (hg19) VCF-style: chr6-33156959-A-G.
Other names: c.239T>C (NM_080680.2); c.239T>C, p.Phe80Ser (NM_001163771.2, NM_080679.3, NM_080681.3); short protein forms F80S.
Identifiers: ClinVar variation 1413247 (VCV001413247.38), dbSNP rs1459651793, ClinGen allele CA363612902.